The following is an entry in ClinVar:

ClinVar aggregate classification (germline): Likely benign (1 of 4 stars; one submission).

Allele frequency attached by ClinVar (database versions not stated): ExAC 0.00007; 1000 Genomes Project 30x 0.00016; TOPMed 0.00017; 1000 Genomes Project 0.00020; gnomAD 0.00027; gnomAD exomes 0.00046.
gnomAD v4.1: 569 of 1,304,212 alleles (0.044%); highest among the groups gnomAD compares: Non-Finnish European, 0.054%; no homozygotes.

Submission:

CeGaT Center for Human Genetics Tuebingen
Classification: Likely benign. Last evaluated: 2022-09-01. Review status: criteria provided, single submitter. Criteria: CeGaT Center For Human Genetics Tuebingen Variant Classification Criteria Version 2. Collection method: clinical testing. Allele origin: germline. Affected: yes. Observed: 1 variant allele.
Comment: HMCN2: BP4, BP7

NM_001291815.2(HMCN2):c.4944C>T (p.Cys1648=)

Gene: HMCN2 (hemicentin 2; plus strand). Cytogenetic location: 9q34.11.
Variant type: single nucleotide variant.
Coding change: c.4944C>T on transcript NM_001291815.2 (MANE Select); coding-DNA position 4944, C replaced by T.
Protein change: p.Cys1648=; no amino-acid change (cysteine 1648 retained).
Molecular consequence: synonymous variant.
Genome position (GRCh38, 1-based): chr9:130,354,842, C>T. VCF-style: chr9-130354842-C-T. GRCh37 (hg19) VCF-style: chr9-133230229-C-T.
Identifiers: ClinVar variation 2659588 (VCV002659588.24), dbSNP rs533832066, ClinGen allele CA5282188.